The following is an entry in ClinVar:

ClinVar aggregate classification (germline): Uncertain significance. Review status: criteria provided, multiple submitters, no conflicts (2 of 4 stars). 2 submissions from 2 submitters: Uncertain significance (2). Last evaluated 2025-09-07.

Conditions:
Familial sleep-related hypermotor epilepsy. Also called: Autosomal Dominant Sleep-Related Hypermotor (Hyperkinetic) Epilepsy. Identifiers: Orphanet 98784, MedGen C3696898, MONDO:0000030.

gnomAD v4.1: 49 of 1,613,914 alleles (0.003%); highest among the groups gnomAD compares: Non-Finnish European, 0.0038%; no homozygotes.

Submissions (2):

GeneDx
Classification: Uncertain significance. Last evaluated: 2025-09-07. Review status: criteria provided, single submitter. Criteria: GeneDx Variant Classification Process June 2021. Collection method: clinical testing. Allele origin: germline. Affected: yes.
Comment: In silico analysis supports a deleterious effect on splicing; Has not been previously published as pathogenic or benign to our knowledge

Labcorp Genetics (formerly Invitae), Labcorp
Classification: Uncertain significance. Last evaluated: 2024-06-29. Review status: criteria provided, single submitter. Criteria: Invitae Variant Classification Sherloc (09022015). Collection method: clinical testing. Allele origin: germline.
Comment: This sequence change falls in intron 6 of the CHRNA2 gene. It does not directly change the encoded amino acid sequence of the CHRNA2 protein. It affects a nucleotide within the consensus splice site. This variant is present in population databases (rs758065946, gnomAD 0.006%). This variant has not been reported in the literature in individuals affected with CHRNA2-related conditions. This variant has been observed in at least one individual who was not affected with CHRNA2-related conditions (Invitae). Variants that disrupt the consensus splice site are a relatively common cause of aberrant splicing (PMID: 17576681, 9536098). Algorithms developed to predict the effect of sequence changes on RNA splicing suggest that this variant may disrupt the consensus splice site. In summary, the available evidence is currently insufficient to determine the role of this variant in disease. Therefore, it has been classified as a Variant of Uncertain Significance.

Literature cited by the submitters: PubMed 17576681 (cited by Labcorp Genetics (formerly Invitae), Labcorp); PubMed 9536098 (cited by Labcorp Genetics (formerly Invitae), Labcorp).

NM_000742.4(CHRNA2):c.1464+5G>A

Gene: CHRNA2 (cholinergic receptor nicotinic alpha 2 subunit; minus strand). Cytogenetic location: 8p21.2.
Variant type: single nucleotide variant.
Coding change: c.1464+5G>A on transcript NM_000742.4 (MANE Select); 5 bases into the intron after coding-DNA position 1464, G replaced by A.
Molecular consequence: intron variant.
Genome position (GRCh38, 1-based): chr8:27,462,974, C>T on the plus strand (G>A on the coding strand, the complement: CHRNA2 is on the minus strand). VCF-style: chr8-27462974-C-T. GRCh37 (hg19) VCF-style: chr8-27320491-C-T.
Other names: c.987+5G>A (NM_001347705.2, NM_001347706.2); c.1419+5G>A (NM_001282455.2); c.870+5G>A (NM_001347708.2, NM_001347707.2).
Identifiers: ClinVar variation 3707211 (VCV003707211.3).